The following is an entry in ClinVar:

NM_000701.8(ATP1A1):c.1864A>G (p.Ile622Val)

Genes: ATP1A1 (ATPase Na+/K+ transporting subunit alpha 1; plus strand), ATP1A1-AS1 (ATP1A1 antisense RNA 1; minus strand). Cytogenetic location: 1p13.1.
Variant type: single nucleotide variant.
Coding change: c.1864A>G on transcript NM_000701.8 (MANE Select); coding-DNA position 1864, A replaced by G.
Protein change: p.Ile622Val; replaces isoleucine 622 with valine.
Molecular consequence: missense variant.
Genome position (GRCh38, 1-based): chr1:116,396,625, A>G. VCF-style: chr1-116396625-A-G. GRCh37 (hg19) VCF-style: chr1-116939247-A-G.
Other names: c.1864A>G, p.Ile622Val (NM_001160233.2); c.1771A>G, p.Ile591Val (NM_001160234.2); short protein forms I591V, I622V.
Identifiers: ClinVar variation 3776399 (VCV003776399.2).

ClinVar aggregate classification (germline): Uncertain significance (1 of 4 stars; one submission).

gnomAD v4.1: 1 of 1,613,932 alleles (0.000062%); highest among the groups gnomAD compares: Non-Finnish European, 0.000085%; no homozygotes.

Submission:

GeneDx
Classification: Uncertain significance. Last evaluated: 2026-02-09. Review status: criteria provided, single submitter. Criteria: GeneDx Variant Classification Process June 2021. Collection method: clinical testing. Allele origin: germline.
Comment: Not observed at significant frequency in large population cohorts (gnomAD); In silico analysis suggests that this missense variant does not alter protein structure/function; Has not been previously published as pathogenic or benign to our knowledge